The following is an entry in ClinVar:

NM_006158.5(NEFL):c.428T>G (p.Ile143Ser)

Gene: NEFL (neurofilament light chain; minus strand). Cytogenetic location: 8p21.2.
Variant type: single nucleotide variant.
Coding change: c.428T>G on transcript NM_006158.5 (MANE Select); coding-DNA position 428, T replaced by G.
Protein change: p.Ile143Ser; replaces isoleucine 143 with serine.
Molecular consequence: missense variant.
Genome position (GRCh38, 1-based): chr8:24,956,088, A>C on the plus strand (T>G on the coding strand, the complement: NEFL is on the minus strand). VCF-style: chr8-24956088-A-C. GRCh37 (hg19) VCF-style: chr8-24813602-A-C.
Other names: short protein forms I143S.
Identifiers: ClinVar variation 3605157 (VCV003605157.2).

ClinVar aggregate classification (germline): Uncertain significance (1 of 4 stars; one submission).

Conditions:
Charcot-Marie-Tooth disease type 2E (CMT2E). Also called: CHARCOT-MARIE-TOOTH DISEASE, AXONAL, TYPE 2E; CHARCOT-MARIE-TOOTH NEUROPATHY, TYPE 2E. Identifiers: Orphanet 99939, MedGen C1843225, MONDO:0011894, OMIM 607684.

Submission:

Labcorp Genetics (formerly Invitae), Labcorp
Classification: Uncertain significance for Charcot-Marie-Tooth disease type 2E. Last evaluated: 2024-10-31. Review status: criteria provided, single submitter. Criteria: Invitae Variant Classification Sherloc (09022015). Collection method: clinical testing. Allele origin: germline.
Comment: This sequence change replaces isoleucine, which is neutral and non-polar, with serine, which is neutral and polar, at codon 143 of the NEFL protein (p.Ile143Ser). This variant is not present in population databases (gnomAD no frequency). This variant has not been reported in the literature in individuals affected with NEFL-related conditions. Invitae Evidence Modeling of protein sequence and biophysical properties (such as structural, functional, and spatial information, amino acid conservation, physicochemical variation, residue mobility, and thermodynamic stability) indicates that this missense variant is not expected to disrupt NEFL protein function with a negative predictive value of 80%. In summary, the available evidence is currently insufficient to determine the role of this variant in disease. Therefore, it has been classified as a Variant of Uncertain Significance.